The following is an entry in ClinVar:

NM_153281.2(HYAL1):c.-240A>G

Gene: HYAL1 (hyaluronidase 1; minus strand). Cytogenetic location: 3p21.31.
Variant type: single nucleotide variant.
Coding change: c.-240A>G on transcript NM_153281.2; 240 bases upstream of the start codon, A replaced by G.
Molecular consequence: 5 prime UTR variant.
Genome position (GRCh38, 1-based): chr3:50,309,708, T>C on the plus strand (A>G on the coding strand, the complement: HYAL1 is on the minus strand). VCF-style: chr3-50309708-T-C. GRCh37 (hg19) VCF-style: chr3-50347139-T-C.
Identifiers: ClinVar variation 346095 (VCV000346095.7), dbSNP rs12634784, ClinGen allele CA10619121.

ClinVar aggregate classification (germline): Benign (1 of 4 stars; one submission).

Conditions:
Deficiency of hyaluronoglucosaminidase (MPS9). Also called: MPS IX; Mucopolysaccharidosis type 9; HYALURONIDASE DEFICIENCY. Identifiers: Orphanet 67041, MedGen C1291490, MONDO:0011093, OMIM 601492.

Allele frequency attached by ClinVar (database versions not stated): 1000 Genomes Project 30x 0.00828; 1000 Genomes Project 0.00839; gnomAD 0.00716 and 0.00726; TOPMed 0.00837.

Submission:

Illumina Laboratory Services, Illumina
Classification: Benign for Deficiency of hyaluronoglucosaminidase. Last evaluated: 2018-01-13. Review status: criteria provided, single submitter. Criteria: ICSL Variant Classification Criteria 13 December 2019. Collection method: clinical testing. Allele origin: germline.
Comment: This variant was observed in the ICSL laboratory as part of a predisposition screen in an ostensibly healthy population. It had not been previously curated by ICSL or reported in the Human Gene Mutation Database (HGMD: prior to June 1st, 2018), and was therefore a candidate for classification through an automated scoring system. Utilizing variant allele frequency, disease prevalence and penetrance estimates, and inheritance mode, an automated score was calculated to assess if this variant is too frequent to cause the disease. Based on the score and internal cut-off values, a variant classified as benign is not then subjected to further curation. The score for this variant resulted in a classification of benign for this disease.